The following is an entry in ClinVar:

NM_000297.4(PKD2):c.55C>T (p.Pro19Ser)

Genes: PKD2 (polycystin 2, transient receptor potential cation channel; plus strand), LOC129992813 (ATAC-STARR-seq lymphoblastoid silent region 15559; plus strand). Cytogenetic location: 4q22.1.
Variant type: single nucleotide variant.
Coding change: c.55C>T on transcript NM_000297.4 (MANE Select); coding-DNA position 55, C replaced by T.
Protein change: p.Pro19Ser; replaces proline 19 with serine.
Molecular consequence: missense variant. On other transcripts: non-coding transcript variant (1).
Genome position (GRCh38, 1-based): chr4:88,007,788, C>T. VCF-style: chr4-88007788-C-T. GRCh37 (hg19) VCF-style: chr4-88928940-C-T.
Other names: short protein forms P19S.
Identifiers: ClinVar variation 2826064 (VCV002826064.3), dbSNP rs2476356520, ClinGen allele CA357624957.

ClinVar aggregate classification (germline): Uncertain significance (1 of 4 stars; one submission).

Conditions:
Autosomal dominant polycystic kidney disease. Identifiers: Orphanet 730, MedGen C0085413, MONDO:0004691.

Allele frequency attached by ClinVar (database versions not stated): gnomAD exomes below 0.00001.
gnomAD v4.1: 1 of 1,156,572 alleles (0.000086%); highest among the groups gnomAD compares: South Asian, 0.003%; no homozygotes.

Submission:

Labcorp Genetics (formerly Invitae), Labcorp
Classification: Uncertain significance for Autosomal dominant polycystic kidney disease. Last evaluated: 2023-03-16. Review status: criteria provided, single submitter. Criteria: Invitae Variant Classification Sherloc (09022015). Collection method: clinical testing. Allele origin: germline.
Comment: This sequence change replaces proline, which is neutral and non-polar, with serine, which is neutral and polar, at codon 19 of the PKD2 protein (p.Pro19Ser). This variant is not present in population databases (gnomAD no frequency). In summary, the available evidence is currently insufficient to determine the role of this variant in disease. Therefore, it has been classified as a Variant of Uncertain Significance. Algorithms developed to predict the effect of missense changes on protein structure and function output the following: SIFT: "Not Available"; PolyPhen-2: "Benign"; Align-GVGD: "Not Available". The serine amino acid residue is found in multiple mammalian species, which suggests that this missense change does not adversely affect protein function. This variant has not been reported in the literature in individuals affected with PKD2-related conditions.